The following is an entry in ClinVar:

ClinVar aggregate classification (germline): Uncertain significance (1 of 4 stars; one submission).

Conditions:
Baller-Gerold syndrome (BGS). Also called: CRANIOSYNOSTOSIS WITH RADIAL DEFECTS. Identifiers: Orphanet 1225, MedGen C0265308, MONDO:0009039, OMIM 218600.

Submission:

Labcorp Genetics (formerly Invitae), Labcorp
Classification: Uncertain significance for Baller-Gerold syndrome. Last evaluated: 2020-12-27. Review status: criteria provided, single submitter. Criteria: Invitae Variant Classification Sherloc (09022015). Collection method: clinical testing. Allele origin: germline.
Comment: In summary, the available evidence is currently insufficient to determine the role of this variant in disease. Therefore, it has been classified as a Variant of Uncertain Significance. Nucleotide substitutions within the consensus splice site are a relatively common cause of aberrant splicing (PMID: 17576681, 9536098). Experimental studies and prediction algorithms are not available or were not evaluated, and the functional significance of this variant is currently unknown. This variant has not been reported in the literature in individuals with RECQL4-related conditions. ClinVar contains an entry for this variant (Variation ID: 459367). This variant is not present in population databases (ExAC no frequency). This sequence change falls in intron 12 of the RECQL4 gene. It does not directly change the encoded amino acid sequence of the RECQL4 protein. It affects a nucleotide within the consensus splice site of the intron.

Literature cited by the submitters: PubMed 17576681; PubMed 9536098.

NM_004260.4(RECQL4):c.2058+3G>A

Gene: RECQL4 (RecQ like helicase 4; minus strand). Cytogenetic location: 8q24.3.
Variant type: single nucleotide variant.
Coding change: c.2058+3G>A on transcript NM_004260.4 (MANE Select); 3 bases into the intron after coding-DNA position 2058, G replaced by A.
Molecular consequence: intron variant.
Genome position (GRCh38, 1-based): chr8:144,513,925, C>T on the plus strand (G>A on the coding strand, the complement: RECQL4 is on the minus strand). VCF-style: chr8-144513925-C-T. GRCh37 (hg19) VCF-style: chr8-145739309-C-T.
Identifiers: ClinVar variation 459367 (VCV000459367.5), dbSNP rs1554899156, ClinGen allele CA658657847.